The following is an entry in ClinVar:

ClinVar aggregate classification (germline): Pathogenic. Review status: criteria provided, multiple submitters, no conflicts (2 of 4 stars). 3 submissions from 3 submitters: Pathogenic (2). 1 of the submissions does not count toward it. Last evaluated 2024-01-18.

Conditions:
3 beta-Hydroxysteroid dehydrogenase deficiency. Also called: 3b-hydroxysteroid dehydrogenase deficiency; Congenital adrenal hyperplasia due to 3-beta-hydroxysteroid dehydrogenase deficiency; 3-BETA-HSD DEFICIENCY; ADRENAL HYPERPLASIA II; ADRENAL HYPERPLASIA, CONGENITAL, DUE TO 3-BETA-HYDROXYSTEROID DEHYDROGENASE 2 DEFICIENCY. Identifiers: Orphanet 90791, MedGen C0342471, MeSH C538236, MONDO:0008727, OMIM 201810. Disease mechanism: loss of function.

Allele frequency attached by ClinVar (database versions not stated): ExAC 0.00001; gnomAD 0.00002; gnomAD exomes 0.00003 and 0.00004.

Submissions (3):

Labcorp Genetics (formerly Invitae), Labcorp
Classification: Pathogenic. Last evaluated: 2024-01-18. Review status: criteria provided, single submitter. Criteria: Invitae Variant Classification Sherloc (09022015). Collection method: clinical testing. Allele origin: germline.
Comment: This sequence change creates a premature translational stop signal (p.Cys5*) in the HSD3B2 gene. It is expected to result in an absent or disrupted protein product. Loss-of-function variants in HSD3B2 are known to be pathogenic (PMID: 11196452). This variant is present in population databases (rs766474996, gnomAD 0.006%). This premature translational stop signal has been observed in individual(s) with 3-beta-hydroxysteroid dehydrogenase deficiency (PMID: 31611844). ClinVar contains an entry for this variant (Variation ID: 1076441). For these reasons, this variant has been classified as Pathogenic.

Fulgent Genetics
Classification: Pathogenic for 3 beta-Hydroxysteroid dehydrogenase deficiency. Last evaluated: 2021-12-20. Review status: criteria provided, single submitter. Criteria: ACMG Guidelines, 2015. Collection method: clinical testing. Allele origin: unknown.

Natera, Inc.
Classification: Pathogenic for 3 beta hydroxysteroid dehydrogenase deficiency. Last evaluated: 2020-08-06. Review status: no assertion criteria provided. Collection method: clinical testing. Allele origin: germline. Not counted in ClinVar's aggregate classification.

Literature cited by the submitters: PubMed 11196452 (cited by Labcorp Genetics (formerly Invitae), Labcorp); PubMed 31611844 (cited by Labcorp Genetics (formerly Invitae), Labcorp).

NM_000198.4(HSD3B2):c.15C>A (p.Cys5Ter)

Genes: HSD3B2 (hydroxy-delta-5-steroid dehydrogenase, 3 beta- and steroid delta-isomerase 2; plus strand), LOC109029530 (HSD3B2 5' regulatory region; plus strand). Cytogenetic location: 1p12.
Variant type: single nucleotide variant.
Coding change: c.15C>A on transcript NM_000198.4 (MANE Select); coding-DNA position 15, C replaced by A.
Protein change: p.Cys5Ter; replaces cysteine 5 with a stop codon.
Molecular consequence: nonsense.
Genome position (GRCh38, 1-based): chr1:119,415,434, C>A. VCF-style: chr1-119415434-C-A. GRCh37 (hg19) VCF-style: chr1-119958057-C-A.
Other names: c.15C>A, p.Cys5Ter (NM_001166120.2); short protein forms C5*.
Identifiers: ClinVar variation 1076441 (VCV001076441.10), dbSNP rs766474996, ClinGen allele CA1035860.